The following is an entry in ClinVar:

ClinVar aggregate classification (germline): Pathogenic (1 of 4 stars; one submission).

Submission:

Labcorp Genetics (formerly Invitae), Labcorp
Classification: Pathogenic. Last evaluated: 2022-11-28. Review status: criteria provided, single submitter. Criteria: Invitae Variant Classification Sherloc (09022015). Collection method: clinical testing. Allele origin: germline.
Comment: This sequence change creates a premature translational stop signal (p.Glu70*) in the NDUFS4 gene. It is expected to result in an absent or disrupted protein product. Loss-of-function variants in NDUFS4 are known to be pathogenic (PMID: 10944442, 16213125). This variant is not present in population databases (gnomAD no frequency). This variant has not been reported in the literature in individuals affected with NDUFS4-related conditions. For these reasons, this variant has been classified as Pathogenic.

Literature cited by the submitters: PubMed 10944442; PubMed 16213125.

NM_002495.4(NDUFS4):c.208G>T (p.Glu70Ter)

Gene: NDUFS4 (NADH:ubiquinone oxidoreductase subunit S4; plus strand). Cytogenetic location: 5q11.2.
Variant type: single nucleotide variant.
Coding change: c.208G>T on transcript NM_002495.4 (MANE Select); coding-DNA position 208, G replaced by T.
Protein change: p.Glu70Ter; replaces glutamic acid 70 with a stop codon.
Molecular consequence: nonsense. On other transcripts: non-coding transcript variant (3).
Genome position (GRCh38, 1-based): chr5:53,646,263, G>T. VCF-style: chr5-53646263-G-T. GRCh37 (hg19) VCF-style: chr5-52942093-G-T.
Other names: c.208G>T, p.Glu70Ter (NM_001318051.2); short protein forms E70*.
Identifiers: ClinVar variation 2109527 (VCV002109527.4), dbSNP rs2478786848, ClinGen allele CA359719596.